The following is an entry in ClinVar:

ClinVar aggregate classification (germline): Pathogenic (1 of 4 stars; one submission).

Submission:

GeneDx
Classification: Pathogenic. Last evaluated: 2016-01-20. Review status: criteria provided, single submitter. Criteria: GeneDx Variant Classification (06012015). Collection method: clinical testing. Allele origin: germline. Affected: yes.
Comment: The c.384dupA pathogenic variant in the SCN1A gene has not been reported previously as a pathogenic variant nor as a benign variant, to our knowledge. The c.384dupA variant causes a frameshift starting with codon leucine 129, changes this amino acid to an isoleucine residue, and creates a premature Stop codon at position 21 of the new reading frame, denoted p.L129IfsX21. This variant is predicted to cause loss of normal protein function either through protein truncation or nonsense-mediated mRNA decay. The c.384dupA variant was not observed in approximately 6500 individuals of European and African American ancestry in the NHLBI Exome Sequencing Project, indicating it is not a common benign variant in these populations.

NM_001165963.4(SCN1A):c.384dup (p.Leu129fs)

Gene: SCN1A (sodium voltage-gated channel alpha subunit 1; minus strand). Cytogenetic location: 2q24.3.
Variant type: Duplication.
Coding change: c.384dup on transcript NM_001165963.4 (MANE Select); coding-DNA position 384, one base duplicated (A; older notation c.384dupA).
Protein change: p.Leu129fs; shifts the reading frame from leucine 129.
Molecular consequence: frameshift variant. On other transcripts: 5 prime UTR variant (1), non-coding transcript variant (1).
Genome position (GRCh38, 1-based): chr2:166,056,500, T duplicated on the plus strand (A on the coding strand, the reverse complement: SCN1A is on the minus strand). VCF-style (leftmost placement, unchanged base first): chr2-166056499-A-AT. GRCh37 (hg19) VCF-style: chr2-166913009-A-AT.
Other names: c.384dup, p.Leu129fs (NM_001165964.3, NM_001202435.3, NM_001353948.2 and 10 more transcripts); c.-2042dup (NM_001353961.2); short protein forms L129fs.
Identifiers: ClinVar variation 280265 (VCV000280265.2), dbSNP rs886041501, ClinGen allele CA10602819.
Genomic context (GRCh38, chr2:166,056,499, plus strand): 5'-TACTCATTGTCATAAACACACAGTTTGTCAAAATAGTGCACATAATTAGCATGCTGAATA[A>AT]TGTAGGTTATTGTTAAGGAACACACAAAAGAAAATCAAAATCCAAGTGTTATATTACAAA-3'